The following is an entry in ClinVar:

ClinVar aggregate classification (germline): Uncertain significance (1 of 4 stars; one submission).

Allele frequency attached by ClinVar (database versions not stated): gnomAD exomes below 0.00001 and 0.00001; TOPMed below 0.00001.
gnomAD v4.1: 3 of 1,551,152 alleles (0.00019%); highest among the groups gnomAD compares: African/African-American, 0.0027%; no homozygotes.

Submission:

Labcorp Genetics (formerly Invitae), Labcorp
Classification: Uncertain significance. Last evaluated: 2022-08-15. Review status: criteria provided, single submitter. Criteria: Invitae Variant Classification Sherloc (09022015). Collection method: clinical testing. Allele origin: germline.
Comment: In summary, the available evidence is currently insufficient to determine the role of this variant in disease. Therefore, it has been classified as a Variant of Uncertain Significance. Algorithms developed to predict the effect of sequence changes on RNA splicing suggest that this variant may disrupt the consensus splice site. Algorithms developed to predict the effect of missense changes on protein structure and function are either unavailable or do not agree on the potential impact of this missense change (SIFT: "Deleterious"; PolyPhen-2: "Benign"; Align-GVGD: "Class C15"). ClinVar contains an entry for this variant (Variation ID: 846598). This variant has not been reported in the literature in individuals affected with EYS-related conditions. This variant is present in population databases (no rsID available, gnomAD 0.002%). This sequence change replaces histidine, which is basic and polar, with tyrosine, which is neutral and polar, at codon 744 of the EYS protein (p.His744Tyr).

NM_001142800.2(EYS):c.2230C>T (p.His744Tyr)

Gene: EYS (EGF-like photoreceptor maintenance factor; minus strand). Cytogenetic location: 6q12.
Variant type: single nucleotide variant.
Coding change: c.2230C>T on transcript NM_001142800.2 (MANE Select); coding-DNA position 2230, C replaced by T.
Protein change: p.His744Tyr; replaces histidine 744 with tyrosine.
Molecular consequence: missense variant.
Genome position (GRCh38, 1-based): chr6:64,997,611, G>A on the plus strand (C>T on the coding strand, the complement: EYS is on the minus strand). VCF-style: chr6-64997611-G-A. GRCh37 (hg19) VCF-style: chr6-65707504-G-A.
Other names: c.2230C>T, p.His744Tyr (NM_001292009.2); short protein forms H744Y.
Identifiers: ClinVar variation 846598 (VCV000846598.6), dbSNP rs1458688528, ClinGen allele CA364788369.
Genomic context (GRCh38, chr6:64,997,611, plus strand): 5'-TTAGGTATATAAAAAGCCAGTGGATACTAACGAGATGCAGGTCTTTGCAGGTAGAATTGT[G>A]CTCACAGGCATTCAGGATGCAGTCATCAATGTCCTGTTCACATCTTATCCCAACATAGCC-3'
Protein context (NP_001136272.1, residues 734-754): IDDCILNACE[His744Tyr]NSTCKDLHLS